The following is an entry in ClinVar:

NM_015909.4(NBAS):c.7000C>T (p.Leu2334=)

Gene: NBAS (NBAS subunit of NRZ tethering complex; minus strand). Cytogenetic location: 2p24.3.
Variant type: single nucleotide variant.
Coding change: c.7000C>T on transcript NM_015909.4 (MANE Select); coding-DNA position 7000, C replaced by T.
Protein change: p.Leu2334=; no amino-acid change (leucine 2334 retained).
Molecular consequence: synonymous variant. On other transcripts: non-coding transcript variant (1).
Genome position (GRCh38, 1-based): chr2:15,167,164, G>A on the plus strand (C>T on the coding strand, the complement: NBAS is on the minus strand). VCF-style: chr2-15167164-G-A. GRCh37 (hg19) VCF-style: chr2-15307288-G-A.
Other names: c.7000C>T (NM_015909.3).
Identifiers: ClinVar variation 2904127 (VCV002904127.6), dbSNP rs369691624, ClinGen allele CA1534801.

ClinVar aggregate classification (germline): Likely benign. Review status: criteria provided, multiple submitters, no conflicts (2 of 4 stars). 3 submissions from 3 submitters: Likely benign (2). 1 of the submissions does not count toward it. Last evaluated 2026-01-29.

Conditions:
NBAS-related disorder. Also called: NBAS-related condition.

Allele frequency attached by ClinVar (database versions not stated): gnomAD 0.00002; TOPMed 0.00003; ESP Exome Variant Server 0.00008.
gnomAD v4.1: 46 of 1,614,148 alleles (0.0028%); highest among the groups gnomAD compares: Non-Finnish European, 0.0038%; no homozygotes.

Submissions (3):

Labcorp Genetics (formerly Invitae), Labcorp
Classification: Likely benign. Last evaluated: 2026-01-29. Review status: criteria provided, single submitter. Criteria: Invitae Variant Classification Sherloc (09022015). Collection method: clinical testing. Allele origin: germline.

Blueprint Genetics
Classification: Likely benign. Last evaluated: 2023-02-07. Review status: criteria provided, single submitter. Criteria: ACMG Guidelines, 2015. Collection method: clinical testing. Allele origin: germline.

PreventionGenetics, part of Exact Sciences
Classification: Likely benign for NBAS-related condition. Last evaluated: 2022-01-27. Review status: no assertion criteria provided. Collection method: clinical testing. Allele origin: germline. Not counted in ClinVar's aggregate classification.
Comment: This variant is classified as likely benign based on ACMG/AMP sequence variant interpretation guidelines (Richards et al. 2015 PMID: 25741868, with internal and published modifications).